The following is an entry in ClinVar:

ClinVar aggregate classification (germline): Uncertain significance (1 of 4 stars; one submission).

Allele frequency attached by ClinVar (database versions not stated): 1000 Genomes Project 30x 0.00016; 1000 Genomes Project 0.00020.
gnomAD v4.1: 5 of 1,613,972 alleles (0.00031%); highest among the groups gnomAD compares: East Asian, 0.0089%; no homozygotes.

Submission:

Labcorp Genetics (formerly Invitae), Labcorp
Classification: Uncertain significance. Last evaluated: 2022-06-05. Review status: criteria provided, single submitter. Criteria: Invitae Variant Classification Sherloc (09022015). Collection method: clinical testing. Allele origin: germline.
Comment: This sequence change replaces asparagine, which is neutral and polar, with threonine, which is neutral and polar, at codon 265 of the TUBGCP6 protein (p.Asn265Thr). This variant is present in population databases (rs535590396, gnomAD 0.005%). This variant has not been reported in the literature in individuals affected with TUBGCP6-related conditions. Algorithms developed to predict the effect of missense changes on protein structure and function are either unavailable or do not agree on the potential impact of this missense change (SIFT: "Deleterious"; PolyPhen-2: "Probably Damaging"; Align-GVGD: "Class C0"). In summary, the available evidence is currently insufficient to determine the role of this variant in disease. Therefore, it has been classified as a Variant of Uncertain Significance.

NM_020461.4(TUBGCP6):c.794A>C (p.Asn265Thr)

Gene: TUBGCP6 (tubulin gamma complex component 6; minus strand). Cytogenetic location: 22q13.33.
Variant type: single nucleotide variant.
Coding change: c.794A>C on transcript NM_020461.4 (MANE Select); coding-DNA position 794, A replaced by C.
Protein change: p.Asn265Thr; replaces asparagine 265 with threonine.
Molecular consequence: missense variant.
Genome position (GRCh38, 1-based): chr22:50,240,315, T>G on the plus strand (A>C on the coding strand, the complement: TUBGCP6 is on the minus strand). VCF-style: chr22-50240315-T-G. GRCh37 (hg19) VCF-style: chr22-50678744-T-G.
Other names: short protein forms N265T.
Identifiers: ClinVar variation 1923661 (VCV001923661.5), dbSNP rs535590396, ClinGen allele CA10308943.